The following is an entry in ClinVar:

ClinVar aggregate classification (germline): Uncertain significance (1 of 4 stars; one submission).

Conditions:
Developmental and epileptic encephalopathy, 8 (DEE8). Also called: HYPEREKPLEXIA AND EPILEPSY. Identifiers: Orphanet 163985, Orphanet 2076, MedGen C1845102, MONDO:0010375, OMIM 300607.

Submission:

Labcorp Genetics (formerly Invitae), Labcorp
Classification: Uncertain significance for Developmental and epileptic encephalopathy, 8. Last evaluated: 2022-06-14. Review status: criteria provided, single submitter. Criteria: Invitae Variant Classification Sherloc (09022015). Collection method: clinical testing. Allele origin: germline.
Comment: This sequence change replaces cysteine, which is neutral and slightly polar, with tyrosine, which is neutral and polar, at codon 247 of the ARHGEF9 protein (p.Cys247Tyr). This variant is not present in population databases (gnomAD no frequency). This variant has not been reported in the literature in individuals affected with ARHGEF9-related conditions. Algorithms developed to predict the effect of missense changes on protein structure and function are either unavailable or do not agree on the potential impact of this missense change (SIFT: "Deleterious"; PolyPhen-2: "Probably Damaging"; Align-GVGD: "Class C0"). In summary, the available evidence is currently insufficient to determine the role of this variant in disease. Therefore, it has been classified as a Variant of Uncertain Significance.

NM_001353921.2(ARHGEF9):c.761G>A (p.Cys254Tyr)

Gene: ARHGEF9 (Cdc42 guanine nucleotide exchange factor 9; minus strand). Cytogenetic location: Xq11.1.
Variant type: single nucleotide variant.
Coding change: c.761G>A on transcript NM_001353921.2 (MANE Select); coding-DNA position 761, G replaced by A.
Protein change: p.Cys254Tyr; replaces cysteine 254 with tyrosine.
Molecular consequence: missense variant.
Genome position (GRCh38, 1-based): chrX:63,678,394, C>T on the plus strand (G>A on the coding strand, the complement: ARHGEF9 is on the minus strand). VCF-style: chrX-63678394-C-T. GRCh37 (hg19) VCF-style: chrX-62898274-C-T.
Other names: c.581G>A, p.Cys194Tyr (NM_001173479.2); c.434G>A, p.Cys145Tyr (NM_001173480.2, NM_001369042.1); c.677G>A, p.Cys226Tyr (NM_001330495.2, NM_001353927.2, NM_001369033.1 and 8 more transcripts); c.761G>A, p.Cys254Tyr (NM_001353922.2); c.779G>A, p.Cys260Tyr (NM_001353923.1); c.560G>A, p.Cys187Tyr (NM_001353924.2, NM_001353926.2, NM_001369039.1 and 1 more transcripts); c.740G>A, p.Cys247Tyr (NM_001353928.2, NM_001369030.1, NM_001369031.1 and 2 more transcripts); c.326G>A, p.Cys109Tyr (NM_001369045.1); short protein forms C109Y, C254Y, C145Y, C194Y, C260Y, C187Y, C226Y, C247Y.
Identifiers: ClinVar variation 2006050 (VCV002006050.4), dbSNP rs2519750786, ClinGen allele CA413406345.